The following is an entry in ClinVar:

ClinVar aggregate classification (germline): Uncertain significance (1 of 4 stars; one submission).

Conditions:
Hereditary cancer-predisposing syndrome. Also called: Neoplastic Syndromes, Hereditary; Tumor predisposition; Hereditary Cancer Syndrome; Hereditary neoplastic syndrome. Identifiers: Orphanet 140162, MedGen C0027672, MeSH D009386, MONDO:0015356.

Submission:

Ambry Genetics
Classification: Uncertain significance for Hereditary cancer-predisposing syndrome. Last evaluated: 2026-05-04. Review status: criteria provided, single submitter. Criteria: Ambry Variant Classification Scheme 2023. Collection method: clinical testing. Allele origin: germline.
Comment: The p.E300V variant (also known as c.899A>T), located in coding exon 6 of the BRIP1 gene, results from an A to T substitution at nucleotide position 899. The glutamic acid at codon 300 is replaced by valine, an amino acid with dissimilar properties. This amino acid position is conserved. In addition, the in silico prediction for this alteration is inconclusive. Based on the available evidence, the clinical significance of this variant remains unclear.

NM_032043.3(BRIP1):c.899A>T (p.Glu300Val)

Gene: BRIP1 (BRCA1 interacting DNA helicase 1; minus strand). Cytogenetic location: 17q23.2.
Variant type: single nucleotide variant.
Coding change: c.899A>T on transcript NM_032043.3 (MANE Select); coding-DNA position 899, A replaced by T.
Protein change: p.Glu300Val; replaces glutamic acid 300 with valine.
Molecular consequence: missense variant.
Genome position (GRCh38, 1-based): chr17:61,808,486, T>A on the plus strand (A>T on the coding strand, the complement: BRIP1 is on the minus strand). VCF-style: chr17-61808486-T-A. GRCh37 (hg19) VCF-style: chr17-59885847-T-A.
Other names: short protein forms E300V.
Identifiers: ClinVar variation 4867924 (VCV004867924.1).
Genomic context (GRCh38, chr17:61,808,486, plus strand): 5'-TCAGCCTTATTTTTTCTCTAACACAAAATAACTTTACTCACGTTTTTCCCATCTAGCAAT[T>A]CCATGCACTTCTCATTTCTGTTGAAGTTACCGACTACCTCAGGATGGACACAAGTATGAT-3'
Protein context (NP_114432.2, residues 290-310): GNFNRNEKCM[Glu300Val]LLDGKNGKSC